The following is an entry in ClinVar:

NM_014915.3(ANKRD26):c.1101del (p.Ile367fs)

Gene: ANKRD26 (ankyrin repeat domain containing 26; minus strand). Cytogenetic location: 10p12.1.
Variant type: Deletion.
Coding change: c.1101del on transcript NM_014915.3 (MANE Select); coding-DNA position 1101, one base deleted (T; older notation c.1101delT).
Protein change: p.Ile367fs; shifts the reading frame from isoleucine 367.
Molecular consequence: frameshift variant.
Genome position (GRCh38, 1-based): chr10:27,067,263, A deleted on the plus strand (T on the coding strand, the reverse complement: ANKRD26 is on the minus strand); the first of 2 consecutive A bases (chr10:27,067,263-27,067,264); deleting either gives the same sequence. VCF-style (leftmost placement, unchanged base first): chr10-27067262-CA-C. GRCh37 (hg19) VCF-style: chr10-27356191-CA-C.
Other names: c.1101del, p.Ile367fs (NM_001256053.2); c.1100delT, p.Ile367Metfs (NM_014915.2); short protein forms I367fs.
Identifiers: ClinVar variation 2504284 (VCV002504284.1), dbSNP rs759126289, ClinGen allele CA5448683.

ClinVar aggregate classification (germline): Uncertain significance (1 of 4 stars; one submission).

Submission:

GeneDx
Classification: Uncertain significance. Last evaluated: 2022-11-30. Review status: criteria provided, single submitter. Criteria: GeneDx Variant Classification Process June 2021. Collection method: clinical testing. Allele origin: germline. Affected: yes.
Comment: Not observed at significant frequency in large population cohorts (gnomAD); Has not been previously published as pathogenic or benign to our knowledge; Frameshift variant predicted to result in protein truncation or nonsense mediated decay in a gene for which loss-of-function is not a known mechanism of disease